The following is an entry in ClinVar:

ClinVar aggregate classification (germline): Pathogenic (1 of 4 stars; one submission).

Conditions:
Pyridoxine-dependent epilepsy (EPEO4). Also called: Pyridoxine-Dependent Seizures; EPILEPSY, EARLY-ONSET, 4, VITAMIN B6-DEPENDENT; PYRIDOXINE DEPENDENCY WITH SEIZURES; Pyridoxine-Dependent Epilepsy - ALDH7A1. Identifiers: Orphanet 3006, MedGen C1849508, MONDO:0009945, OMIM 266100. Disease mechanism: loss of function.

Submission:

Labcorp Genetics (formerly Invitae), Labcorp
Classification: Pathogenic for Pyridoxine-dependent epilepsy. Last evaluated: 2025-04-13. Review status: criteria provided, single submitter. Criteria: Invitae Variant Classification Sherloc (09022015). Collection method: clinical testing. Allele origin: germline.
Comment: This sequence change affects an acceptor splice site in intron 17 of the ALDH7A1 gene. RNA analysis indicates that disruption of this splice site induces altered splicing and likely results in the loss of 5 amino acid residue(s), but is expected to preserve the integrity of the reading-frame. This variant is not present in population databases (gnomAD no frequency). Disruption of this splice site has been observed in individual(s) with pyridoxine dependent epilepsy (PMID: 17068770, 23350806). It has also been observed to segregate with disease in related individuals. Variants that disrupt the consensus splice site are a relatively common cause of aberrant splicing (PMID: 17576681, 9536098). Studies have shown that disruption of this splice site results in the activation of a cryptic splice site in exon 18 (PMID: 23350806). For these reasons, this variant has been classified as Pathogenic.

Literature cited by the submitters: PubMed 17068770; PubMed 23350806; PubMed 17576681; PubMed 9536098.

NM_001182.5(ALDH7A1):c.1566-1G>A

Gene: ALDH7A1 (aldehyde dehydrogenase 7 family member A1; minus strand). Cytogenetic location: 5q23.2.
Variant type: single nucleotide variant.
Coding change: c.1566-1G>A on transcript NM_001182.5 (MANE Select); the canonical splice acceptor site of the intron before coding-DNA position 1566, G replaced by A.
Molecular consequence: splice acceptor variant.
Genome position (GRCh38, 1-based): chr5:126,545,020, C>T on the plus strand (G>A on the coding strand, the complement: ALDH7A1 is on the minus strand). VCF-style: chr5-126545020-C-T. GRCh37 (hg19) VCF-style: chr5-125880712-C-T.
Other names: c.1374-1G>A (NM_001202404.2); c.1482-1G>A (NM_001201377.2).
Identifiers: ClinVar variation 4774180 (VCV004774180.1).